The following continues an entry in ClinVar:

NM_007294.4(BRCA1):c.3481_3491del (p.Glu1161fs)

ClinVar aggregate classification (germline): Pathogenic. Pathogenic (1).

Submissions 28 to 40 of 40:

Clinical Genetics DNA and cytogenetics Diagnostics Lab, Erasmus MC, Erasmus Medical Center
Classification: Pathogenic for Breast-ovarian cancer, familial, susceptibility to, 1. Last evaluated: 2015-09-21. Review status: criteria provided, single submitter. Criteria: ACGS Guidelines, 2013. Collection method: clinical testing. Allele origin: germline. Affected: yes. Study: VKGL Data-share Consensus. Not counted in ClinVar's aggregate classification.

BRCAlab, Lund University
Classification: Pathogenic for Breast-ovarian cancer, familial, susceptibility to, 1. Last evaluated: 2020-03-02. Review status: no assertion criteria provided. Collection method: clinical testing. Allele origin: germline. Affected: yes. Not counted in ClinVar's aggregate classification.

CZECANCA consortium
Classification: Pathogenic for Breast and/or ovarian cancer. Last evaluated: 2019-06-11. Review status: no assertion criteria provided. Collection method: clinical testing. Allele origin: germline. Affected: yes. Observed: 1 variant allele. Not counted in ClinVar's aggregate classification.

German Consortium for Hereditary Breast and Ovarian Cancer, University Hospital Cologne
Classification: Pathogenic for Ovarian neoplasm. Last evaluated: 2018-12-01. Review status: no assertion criteria provided. Collection method: research. Allele origin: germline. Affected: yes. Not counted in ClinVar's aggregate classification.

Institute of Human Genetics, Medical University Innsbruck
Classification: Pathogenic for Breast-ovarian cancer, familial 1. Last evaluated: 2015-02-11. Review status: no assertion criteria provided. Criteria: clinical testing. Collection method: clinical testing. Allele origin: germline. Affected: yes. Study: BRCA-Tyrol. Not counted in ClinVar's aggregate classification.
Comment: BRCA-mutation spectrum Western Austria

Counsyl
Classification: Pathogenic for Breast-ovarian cancer, familial 1. Last evaluated: 2014-09-16. Review status: no assertion criteria provided. Collection method: literature only. Allele origin: unknown. Inheritance: Autosomal dominant inheritance. Not counted in ClinVar's aggregate classification.

Pathway Genomics
Classification: Pathogenic for Breast-ovarian cancer, familial 1. Last evaluated: 2014-07-24. Review status: no assertion criteria provided. Collection method: clinical testing. Allele origin: germline. Not counted in ClinVar's aggregate classification.

Research Molecular Genetics Laboratory, Women's College Hospital, University of Toronto
Classification: Pathogenic for Hereditary breast ovarian cancer syndrome. Last evaluated: 2014-01-31. Review status: no assertion criteria provided. Collection method: research. Allele origin: germline. Affected: yes. Study: The Canadian Open Genetics Repository (COGR). Not counted in ClinVar's aggregate classification.

Sharing Clinical Reports Project (SCRP)
Classification: Pathogenic for Breast-ovarian cancer, familial 1. Last evaluated: 2012-05-01. Review status: no assertion criteria provided. Collection method: clinical testing. Allele origin: germline. Not counted in ClinVar's aggregate classification.

Breast Cancer Information Core (BIC) (BRCA1)
Classification: Pathogenic for Breast-ovarian cancer, familial 1. Last evaluated: 2002-05-29. Review status: no assertion criteria provided. Collection method: clinical testing. Allele origin: germline. Affected: yes. Observed: 64 variant alleles. Not counted in ClinVar's aggregate classification.

OMIM
Classification: Pathogenic for BREAST-OVARIAN CANCER, FAMILIAL, SUSCEPTIBILITY TO, 1. Last evaluated: 1999-05-01. Review status: no assertion criteria provided. Collection method: literature only. Allele origin: germline. Not counted in ClinVar's aggregate classification.

Clinical Genetics Laboratory, Department of Pathology, Netherlands Cancer Institute
Classification: Pathogenic. Review status: no assertion criteria provided. Collection method: clinical testing. Allele origin: germline. Affected: yes. Study: VKGL Data-share Consensus. Not counted in ClinVar's aggregate classification.

Department of Pathology and Laboratory Medicine, Sinai Health System
Classification: Pathogenic. Review status: no assertion criteria provided. Collection method: clinical testing. Allele origin: unknown. Affected: yes. Observed: 3 variant alleles. Study: The Canadian Open Genetics Repository (COGR). Not counted in ClinVar's aggregate classification.

Literature cited by the submitters: PubMed 20104584 (cited by Labcorp Genetics (formerly Invitae), Labcorp and Mayo Clinic Laboratories, Mayo Clinic); PubMed 7611277 (cited by 9 submitters); PubMed 10196379 (cited by 10 submitters); PubMed 12955716 (cited by 7 submitters); PubMed 15131401 (cited by 9 submitters); PubMed 23199084 (cited by 6 submitters); PubMed 26720728 (cited by 3 submitters); PubMed 27062684 (cited by 4 submitters); PubMed 28493033 (cited by 3 submitters); PubMed 29446198 (cited by Mayo Clinic Laboratories, Mayo Clinic); PubMed 31853058 (cited by Mayo Clinic Laboratories, Mayo Clinic); PubMed 32719484 (cited by Center for Genomic Medicine, Rigshospitalet, Copenhagen University Hospital); PubMed 22006311 (cited by 5 submitters); PubMed 25880076 (cited by 3 submitters); PubMed 26287763 (cited by 3 submitters); PubMed 26681312 (cited by 3 submitters); PubMed 29550896 (cited by Ambry Genetics and Quest Diagnostics Nichols Institute San Juan Capistrano); PubMed 30257646 (cited by Ambry Genetics); PubMed 9150149 (cited by 3 submitters); PubMed 9760198 (cited by 3 submitters); PubMed 33471991 (cited by All of Us Research Program, National Institutes of Health and Color Diagnostics, LLC DBA Color Health); PubMed 34680878 (cited by Color Diagnostics, LLC DBA Color Health and Quest Diagnostics Nichols Institute San Juan Capistrano); PubMed 35264596 (cited by Color Diagnostics, LLC DBA Color Health and Quest Diagnostics Nichols Institute San Juan Capistrano); PubMed 37444530 (cited by Color Diagnostics, LLC DBA Color Health); PubMed 30736435 (cited by Quest Diagnostics Nichols Institute San Juan Capistrano); PubMed 30322717 (cited by Quest Diagnostics Nichols Institute San Juan Capistrano); PubMed 28125078 (cited by Quest Diagnostics Nichols Institute San Juan Capistrano); PubMed 26295337 (cited by Quest Diagnostics Nichols Institute San Juan Capistrano); PubMed 16267036 (cited by Women's Health and Genetics/Laboratory Corporation of America, LabCorp); PubMed 32295079 (cited by CZECANCA consortium).